The following is an entry in ClinVar:

ClinVar aggregate classification (germline): Uncertain significance (1 of 4 stars; one submission).

Conditions:
3-methylglutaconic aciduria, type VIIB (MGCA7B). Also called: CLPB Deficiency; 3-methylglutaconic aciduria, type VII, with cataracts, neurologic involvement and neutropenia; 3-methylglutaconic aciduria with cataracts, neurologic involvement and neutropenia. Identifiers: Orphanet 445038, MedGen C5676893, MONDO:0014561, OMIM 616271.

Allele frequency attached by ClinVar (database versions not stated): gnomAD exomes below 0.00001.
gnomAD v4.1: 2 of 1,614,166 alleles (0.00012%); no homozygotes.

Submission:

Labcorp Genetics (formerly Invitae), Labcorp
Classification: Uncertain significance for 3-methylglutaconic aciduria, type VIIB. Last evaluated: 2025-04-07. Review status: criteria provided, single submitter. Criteria: Invitae Variant Classification Sherloc (09022015). Collection method: clinical testing. Allele origin: germline.
Comment: This sequence change replaces aspartic acid, which is acidic and polar, with glycine, which is neutral and non-polar, at codon 500 of the CLPB protein (p.Asp500Gly). This variant is present in population databases (no rsID available, gnomAD 0.006%). This variant has not been reported in the literature in individuals affected with CLPB-related conditions. ClinVar contains an entry for this variant (Variation ID: 951693). An algorithm developed to predict the effect of missense changes on protein structure and function (PolyPhen-2) suggests that this variant is likely to be tolerated. In summary, the available evidence is currently insufficient to determine the role of this variant in disease. Therefore, it has been classified as a Variant of Uncertain Significance.

NM_001258392.3(CLPB):c.1409A>G (p.Asp470Gly)

Gene: CLPB (ClpB family mitochondrial disaggregase; minus strand). Cytogenetic location: 11q13.4.
Variant type: single nucleotide variant.
Coding change: c.1409A>G on transcript NM_001258392.3 (MANE Select); coding-DNA position 1409, A replaced by G.
Protein change: p.Asp470Gly; replaces aspartic acid 470 with glycine.
Molecular consequence: missense variant.
Genome position (GRCh38, 1-based): chr11:72,295,569, T>C on the plus strand (A>G on the coding strand, the complement: CLPB is on the minus strand). VCF-style: chr11-72295569-T-C. GRCh37 (hg19) VCF-style: chr11-72006613-T-C.
Other names: c.1322A>G, p.Asp441Gly (NM_001258393.3); c.1364A>G, p.Asp455Gly (NM_001258394.3); c.1499A>G, p.Asp500Gly (NM_030813.6); short protein forms D500G, D441G, D455G, D470G.
Identifiers: ClinVar variation 951693 (VCV000951693.8), dbSNP rs1365431764, ClinGen allele CA381728648.